The following is an entry in ClinVar:

NM_002225.5(IVD):c.995G>A (p.Arg332His)

Gene: IVD (isovaleryl-CoA dehydrogenase; plus strand). Cytogenetic location: 15q15.1.
Variant type: single nucleotide variant.
Coding change: c.995G>A on transcript NM_002225.5 (MANE Select); coding-DNA position 995, G replaced by A.
Protein change: p.Arg332His; replaces arginine 332 with histidine.
Molecular consequence: missense variant. On other transcripts: non-coding transcript variant (1).
Genome position (GRCh38, 1-based): chr15:40,416,112, G>A. VCF-style: chr15-40416112-G-A. GRCh37 (hg19) VCF-style: chr15-40708311-G-A.
Other names: c.905G>A, p.Arg302His (NM_001159508.3); c.947G>A, p.Arg316His (NM_001354597.3); c.995G>A, p.Arg332His (NM_001354598.3, NM_001354601.3); c.1082G>A, p.Arg361His (NM_001354599.3, NM_001354600.3); c.1004G>A (NM_002225.3); short protein forms R302H, R332H, R316H, R361H.
Identifiers: ClinVar variation 2169400 (VCV002169400.3), dbSNP rs745464766, ClinGen allele CA7480831.

ClinVar aggregate classification (germline): Uncertain significance. Review status: criteria provided, multiple submitters, no conflicts (2 of 4 stars). 3 submissions from 3 submitters: Uncertain significance (3). Last evaluated 2024-07-29.

Conditions:
Inborn genetic diseases. Identifiers: MedGen C0950123, MeSH D030342.
Isovaleryl-CoA dehydrogenase deficiency (IVA). Also called: IVD DEFICIENCY; Classic Isovaleric Acidemia; ISOVALERIC ACID CoA DEHYDROGENASE DEFICIENCY; Isovaleric acidemia. Identifiers: Orphanet 33, MedGen C0268575, MONDO:0009475, OMIM 243500.

Allele frequency attached by ClinVar (database versions not stated): gnomAD 0.00001; TOPMed 0.00001; ExAC 0.00002.
gnomAD v4.1: 20 of 1,614,128 alleles (0.0012%); highest among the groups gnomAD compares: African/African-American, 0.004%; no homozygotes.

Submissions (3):

Women's Health and Genetics/Laboratory Corporation of America, LabCorp
Classification: Uncertain significance. Last evaluated: 2024-07-29. Review status: criteria provided, single submitter. Criteria: LabCorp Variant Classification Summary - May 2015. Collection method: clinical testing. Allele origin: germline.

Labcorp Genetics (formerly Invitae), Labcorp
Classification: Uncertain significance for Isovaleryl-CoA dehydrogenase deficiency. Last evaluated: 2021-12-21. Review status: criteria provided, single submitter. Criteria: Invitae Variant Classification Sherloc (09022015). Collection method: clinical testing. Allele origin: germline.
Comment: This sequence change replaces arginine, which is basic and polar, with histidine, which is basic and polar, at codon 335 of the IVD protein (p.Arg335His). This variant is present in population databases (rs745464766, gnomAD 0.007%). This missense change has been observed in individual(s) with clinical features of isovaleric acidemia (Invitae). Algorithms developed to predict the effect of missense changes on protein structure and function are either unavailable or do not agree on the potential impact of this missense change (SIFT: "Deleterious"; PolyPhen-2: "Probably Damaging"; Align-GVGD: "Class C0"). In summary, the available evidence is currently insufficient to determine the role of this variant in disease. Therefore, it has been classified as a Variant of Uncertain Significance.

Ambry Genetics
Classification: Uncertain significance for Inborn genetic diseases. Last evaluated: 2021-11-05. Review status: criteria provided, single submitter. Criteria: Ambry Variant Classification Scheme 2023. Collection method: clinical testing. Allele origin: germline.